The following is an entry in ClinVar:

ClinVar aggregate classification (germline): Likely benign (1 of 4 stars; one submission).

Allele frequency attached by ClinVar (database versions not stated): gnomAD 0.00001; TOPMed 0.00003; ESP Exome Variant Server 0.00008; 1000 Genomes Project 0.00040; 1000 Genomes Project 30x 0.00047.
gnomAD v4.1: 69 of 1,612,900 alleles (0.0043%); highest among the groups gnomAD compares: South Asian, 0.0099%; no homozygotes.

Submission:

GeneDx
Classification: Likely benign. Last evaluated: 2013-06-26. Review status: criteria provided, single submitter. Criteria: GeneDx Variant Classification (06012015). Collection method: clinical testing. Allele origin: germline. Affected: yes.
Comment: This variant is considered likely benign or benign based on one or more of the following criteria: it is a conservative change, it occurs at a poorly conserved position in the protein, it is predicted to be benign by multiple in silico algorithms, and/or has population frequency not consistent with disease.

NM_001909.5(CTSD):c.*11G>A

Gene: CTSD (cathepsin D; minus strand). Cytogenetic location: 11p15.5.
Variant type: single nucleotide variant.
Coding change: c.*11G>A on transcript NM_001909.5 (MANE Select); 11 bases downstream of the stop codon, G replaced by A.
Molecular consequence: 3 prime UTR variant.
Genome position (GRCh38, 1-based): chr11:1,753,492, C>T on the plus strand (G>A on the coding strand, the complement: CTSD is on the minus strand). VCF-style: chr11-1753492-C-T. GRCh37 (hg19) VCF-style: chr11-1774722-C-T.
Identifiers: ClinVar variation 205333 (VCV000205333.2), dbSNP rs377057633, ClinGen allele CA314310.